The following is an entry in ClinVar:

ClinVar aggregate classification (germline): Pathogenic/Likely pathogenic. Review status: criteria provided, multiple submitters, no conflicts (2 of 4 stars). 7 submissions from 7 submitters: Pathogenic (3); Likely pathogenic (4). Last evaluated 2025-12-15.

Conditions:
ARG1-related disorder. Also called: ARG1-related condition.
Arginase deficiency. Also called: ARGININEMIA; Arginase 1 Deficiency; ARG1 DEFICIENCY. Identifiers: Orphanet 90, MedGen C0268548, MONDO:0008814, OMIM 207800.

gnomAD v4.1: 6 of 1,613,878 alleles (0.00037%); highest among the groups gnomAD compares: Admixed American, 0.0017%; no homozygotes.

Submissions (7):

Dasa
Classification: Likely pathogenic. Last evaluated: 2025-12-15. Review status: criteria provided, single submitter. Criteria: DASA Assertion Criteria. Collection method: clinical testing. Allele origin: germline.
Comment: NM_000045.4(ARG1):c.404C>T (p.Thr135Ile) is a missense variant that results in the substitution of threonine with isoleucine. This variant has been reported in individuals with ARG1-related disorders (PMID: 34782662). Functional evidence supports an impact on the gene or gene product. Also, this variant is rare in population databases. Based on the currently available evidence, this variant is classified as likely pathogenic.

Labcorp Genetics (formerly Invitae), Labcorp
Classification: Pathogenic for Arginase deficiency. Last evaluated: 2025-04-09. Review status: criteria provided, single submitter. Criteria: Invitae Variant Classification Sherloc (09022015). Collection method: clinical testing. Allele origin: germline.
Comment: This sequence change replaces threonine, which is neutral and polar, with isoleucine, which is neutral and non-polar, at codon 135 of the ARG1 protein (p.Thr135Ile). This variant is present in population databases (no rsID available, gnomAD 0.003%). This missense change has been observed in individual(s) with ARG1-related conditions and/or arginase deficiency (PMID: 27038030, 34782662). This variant is also known as p.Thr143Ile; p.T134I. ClinVar contains an entry for this variant (Variation ID: 802268). An algorithm developed to predict the effect of missense changes on protein structure and function (PolyPhen-2) suggests that this variant is likely to be disruptive. For these reasons, this variant has been classified as Pathogenic.

Baylor Genetics
Classification: Likely pathogenic for Arginase deficiency. Last evaluated: 2023-10-24. Review status: criteria provided, single submitter. Criteria: ACMG Guidelines, 2015. Collection method: clinical testing. Allele origin: unknown.

Laboratorio de Genetica e Diagnostico Molecular, Hospital Israelita Albert Einstein
Classification: Likely pathogenic for Arginase deficiency. Last evaluated: 2023-08-24. Review status: criteria provided, single submitter. Criteria: ACMG Guidelines, 2015. Collection method: clinical testing. Allele origin: germline. Inheritance: Autosomal recessive inheritance. Affected: yes.
Comment: ACMG classification criteria: PS3-P, PM2-P, PM3-mod, PP4-strong

Blueprint Genetics
Classification: Pathogenic for ARG1-related disorders. Last evaluated: 2023-05-11. Review status: criteria provided, single submitter. Criteria: ACMG Guidelines, 2015. Collection method: clinical testing. Allele origin: germline. Affected: yes. Observed: 1 variant allele.

Women's Health and Genetics/Laboratory Corporation of America, LabCorp
Classification: Pathogenic for Arginase deficiency. Last evaluated: 2021-11-17. Review status: criteria provided, single submitter. Criteria: LabCorp Variant Classification Summary - May 2015. Collection method: clinical testing. Allele origin: germline.
Comment: Variant summary: ARG1 c.404C>T (p.Thr135Ile) results in a non-conservative amino acid change in the encoded protein sequence. Five of five in-silico tools predict a damaging effect of the variant on protein function. The variant allele was found at a frequency of 8e-06 in 250676 control chromosomes. c.404C>T has been reported in the literature as a homozygous genotype in at-least 7 individuals affected with Arginase Deficiency and has been subsequently cited by others (example, Carvalho_2012, Huemer_2016, Diez-Fernandez_2018). These data indicate that the variant is very likely to be associated with disease. At least one publication reports experimental evidence evaluating an impact on protein function (Carvalho_2012). The most pronounced variant effect results in <10% of normal erythrocyte Arginase enzyme activity in all homozygous individuals tested. One clinical diagnostic laboratory has submitted clinical-significance assessments for this variant to ClinVar after 2014 without evidence for independent evaluation and classified the variant as likely pathogenic. Based on the evidence outlined above, the variant was classified as pathogenic.

Mendelics
Classification: Likely pathogenic for Arginase deficiency. Last evaluated: 2019-05-28. Review status: criteria provided, single submitter. Criteria: Mendelics Assertion Criteria 2017. Collection method: clinical testing. Allele origin: unknown.

Literature cited by the submitters: PubMed 34782662 (cited by Dasa and Labcorp Genetics (formerly Invitae), Labcorp); PubMed 27038030 (cited by 3 submitters); PubMed 22959135 (cited by 3 submitters); 27038030 (cited by Laboratorio de Genetica e Diagnostico Molecular, Hospital Israelita Albert Einstein); 29726057 (cited by Laboratorio de Genetica e Diagnostico Molecular, Hospital Israelita Albert Einstein); 34782662 (cited by Laboratorio de Genetica e Diagnostico Molecular, Hospital Israelita Albert Einstein); PubMed 29726057 (cited by Women's Health and Genetics/Laboratory Corporation of America, LabCorp).

NM_000045.4(ARG1):c.404C>T (p.Thr135Ile)

Genes: ARG1 (arginase 1; plus strand), MED23 (mediator complex subunit 23; minus strand). Cytogenetic location: 6q23.2.
Variant type: single nucleotide variant.
Coding change: c.404C>T on transcript NM_000045.4 (MANE Select); coding-DNA position 404, C replaced by T.
Protein change: p.Thr135Ile; replaces threonine 135 with isoleucine.
Molecular consequence: missense variant. On other transcripts: non-coding transcript variant (1), intron variant (3).
Genome position (GRCh38, 1-based): chr6:131,581,317, C>T. VCF-style: chr6-131581317-C-T. GRCh37 (hg19) VCF-style: chr6-131902457-C-T.
Other names: c.428C>T, p.Thr143Ile (NM_001244438.2); c.306-1743C>T (NM_001369020.1); c.4077+6392G>A (NM_001270521.2); c.4095+6392G>A (NM_015979.4); short protein forms T135I, T143I.
Identifiers: ClinVar variation 802268 (VCV000802268.12), dbSNP rs1451472748, ClinGen allele CA365651094.